The following is an entry in ClinVar:

NM_001330701.2(AGTPBP1):c.-191_-190insGCGCCGCAGCTGCCGCCG

Genes: AGTPBP1 (ATP/GTP binding carboxypeptidase 1; minus strand), LOC130001960 (ATAC-STARR-seq lymphoblastoid silent region 19988; plus strand). Cytogenetic location: 9q21.33.
Variant type: Microsatellite.
Coding change: c.-191_-190insGCGCCGCAGCTGCCGCCG on transcript NM_001330701.2 (MANE Select); 191 bases upstream of the start codon through 190 bases upstream of the start codon, GCGCCGCAGCTGCCGCCG inserted.
Molecular consequence: 5 prime UTR variant. On other transcripts: inframe insertion (2).
Genome position: GRCh38 VCF-style: chr9-85741931-G-GCGGCGGCAGCTGCGGCGC. GRCh37 (hg19) VCF-style: chr9-88356846-G-GCGGCGGCAGCTGCGGCGC.
Other names: c.31_32insGCGCCGCAGCTGCCGCCG, p.Ala10_Ala11insGlyAlaAlaAlaAlaAla (NM_001286715.1, NM_001286717.1); c.-191_-190insGCGCCGCAGCTGCCGCCG (NM_015239.3).
Identifiers: ClinVar variation 4992082 (VCV004992082.1).
Genomic context (GRCh38, chr9:85,741,931, plus strand): 5'-GTTTTCATACAAACCCCGGTGGCAGGCGAGGCGGAGGCGGCGGCGGCGGCAGCTGCGGCG[G>GCGGCGGCAGCTGCGGCGC]CGGCGCTGGAGGCGGCGGAACCTGTCCGCATCCCGGGCAACGTCAGCGCGGCGCCCCGCC-3'

ClinVar aggregate classification (germline): Uncertain significance (1 of 4 stars; one submission).

Conditions:
AGTPBP1-related disorder. Also called: AGTPBP1-related condition.

Submission:

PreventionGenetics, part of Exact Sciences
Classification: Uncertain significance for AGTPBP1-related condition. Last evaluated: 2026-02-16. Review status: criteria provided, single submitter. Criteria: ACMG Guidelines, 2015. Collection method: clinical testing. Allele origin: germline.
Comment: The AGTPBP1 c.31_32insGCGCCGCAGCTGCCGCCG variant is predicted to result in an in-frame amino acid insertion (p.Ala10_Ala11insGlyAlaAlaAlaAlaAla). To our knowledge, this variant has not been reported in the literature or in a large population database (gnomAD), indicating this variant is rare. At this time, the clinical significance of this variant is uncertain due to the absence of conclusive functional and genetic evidence.